The following is an entry in ClinVar:

ClinVar aggregate classification (germline): Benign/Likely benign. Review status: criteria provided, multiple submitters, no conflicts (2 of 4 stars). 4 submissions from 4 submitters: Benign (1); Likely benign (3). Last evaluated 2026-05-19.

Conditions:
Hereditary cancer-predisposing syndrome. Also called: Hereditary neoplastic syndrome; Neoplastic Syndromes, Hereditary; Hereditary Cancer Syndrome; Tumor predisposition. Identifiers: Orphanet 140162, MedGen C0027672, MeSH D009386, MONDO:0015356.
Neurofibromatosis, type 1 (NF1). Also called: NEUROFIBROMATOSIS, TYPE I, SOMATIC; Neurofibromatosis, type I; VON RECKLINGHAUSEN DISEASE; Peripheral type neurofibromatosis. Identifiers: Orphanet 636, MedGen C0027831, MONDO:0018975, OMIM 162200. Disease mechanism: loss of function.

Allele frequency attached by ClinVar (database versions not stated): gnomAD exomes 0.00001.
gnomAD v4.1: 4 of 1,613,918 alleles (0.00025%); highest among the groups gnomAD compares: Middle Eastern, 0.05%; no homozygotes.

Submissions (4):

Myriad Genetics, Inc.
Classification: Benign for Neurofibromatosis, type 1. Last evaluated: 2026-05-19. Review status: criteria provided, single submitter. Criteria: Myriad Autosomal Dominant, Autosomal Recessive and X-Linked Classification Criteria (2023). Collection method: clinical testing. Allele origin: unknown.
Comment: This variant is considered benign. This variant is a silent/synonymous amino acid change and it is not expected to impact splicing.

Labcorp Genetics (formerly Invitae), Labcorp
Classification: Likely benign for Neurofibromatosis, type 1. Last evaluated: 2026-01-11. Review status: criteria provided, single submitter. Criteria: Invitae Variant Classification Sherloc (09022015). Collection method: clinical testing. Allele origin: germline.

Genome-Nilou Lab
Classification: Likely benign for Neurofibromatosis, type 1. Last evaluated: 2022-03-15. Review status: criteria provided, single submitter. Criteria: ACMG Guidelines, 2015. Collection method: clinical testing. Allele origin: germline. Affected: no.

Ambry Genetics
Classification: Likely benign for Hereditary cancer-predisposing syndrome. Last evaluated: 2015-09-16. Review status: criteria provided, single submitter. Criteria: Ambry Autosomal Dominant and X-Linked criteria (10/2015). Collection method: clinical testing. Allele origin: germline. Observed: 1 variant allele.

NM_001042492.3(NF1):c.3903G>A (p.Leu1301=)

Gene: NF1 (neurofibromin 1; plus strand). Cytogenetic location: 17q11.2.
Variant type: single nucleotide variant.
Coding change: c.3903G>A on transcript NM_001042492.3 (MANE Select); coding-DNA position 3903, G replaced by A.
Protein change: p.Leu1301=; no amino-acid change (leucine 1301 retained).
Molecular consequence: synonymous variant.
Genome position (GRCh38, 1-based): chr17:31,235,950, G>A. VCF-style: chr17-31235950-G-A. GRCh37 (hg19) VCF-style: chr17-29562968-G-A.
Other names: c.3903G>A, p.Leu1301= (NM_000267.4).
Identifiers: ClinVar variation 234003 (VCV000234003.15), dbSNP rs876660789, ClinGen allele CA10580299.